The following is an entry in ClinVar:

ClinVar aggregate classification (germline): Conflicting classifications of pathogenicity. Review status: criteria provided, conflicting classifications (1 of 4 stars). 7 submissions from 7 submitters: Uncertain significance (6); Likely benign (1). Last evaluated 2026-06-23.

Conditions:
Inborn genetic diseases. Identifiers: MedGen C0950123, MeSH D030342.
Autosomal recessive nonsyndromic hearing loss 6. Also called: NEUROSENSORY NONSYNDROMIC RECESSIVE DEAFNESS 6. Identifiers: Orphanet 90636, MedGen C1832992, MONDO:0010965, OMIM 600971.

Allele frequency attached by ClinVar (database versions not stated): ExAC below 0.00001; gnomAD 0.00014; TOPMed 0.00014.

Submissions (7):

GeneDx
Classification: Uncertain significance. Last evaluated: 2026-06-23. Review status: criteria provided, single submitter. Criteria: GeneDx Variant Classification Process June 2021. Collection method: clinical testing. Allele origin: germline.
Comment: Not observed at significant frequency in large population cohorts (gnomAD); In silico analysis suggests that this missense variant does not alter protein structure/function; Has not been previously published as pathogenic or benign to our knowledge

CeGaT Center for Human Genetics Tuebingen
Classification: Likely benign. Last evaluated: 2025-07-01. Review status: criteria provided, single submitter. Criteria: CeGaT Center For Human Genetics Tuebingen Variant Classification Criteria Version 2. Collection method: clinical testing. Allele origin: germline. Affected: yes. Observed: 1 variant allele.
Comment: TMIE: BS2

Ambry Genetics
Classification: Uncertain significance for Inborn genetic diseases. Last evaluated: 2025-03-30. Review status: criteria provided, single submitter. Criteria: Ambry Variant Classification Scheme 2023. Collection method: clinical testing. Allele origin: germline.

Labcorp Genetics (formerly Invitae), Labcorp
Classification: Uncertain significance. Last evaluated: 2022-08-09. Review status: criteria provided, single submitter. Criteria: Invitae Variant Classification Sherloc (09022015). Collection method: clinical testing. Allele origin: germline.
Comment: This sequence change replaces valine, which is neutral and non-polar, with leucine, which is neutral and non-polar, at codon 12 of the TMIE protein (p.Val12Leu). This variant is present in population databases (rs397517867, gnomAD 0.006%). This variant has not been reported in the literature in individuals affected with TMIE-related conditions. ClinVar contains an entry for this variant (Variation ID: 47959). Algorithms developed to predict the effect of missense changes on protein structure and function are either unavailable or do not agree on the potential impact of this missense change (SIFT: "Tolerated"; PolyPhen-2: "Not Available"; Align-GVGD: "Class C0"). In summary, the available evidence is currently insufficient to determine the role of this variant in disease. Therefore, it has been classified as a Variant of Uncertain Significance.

Illumina Laboratory Services, Illumina
Classification: Uncertain significance for Autosomal recessive nonsyndromic hearing loss 6. Last evaluated: 2018-01-12. Review status: criteria provided, single submitter. Criteria: ICSL Variant Classification Criteria 13 December 2019. Collection method: clinical testing. Allele origin: germline.

Laboratory for Molecular Medicine, Mass General Brigham Personalized Medicine
Classification: Uncertain significance. Last evaluated: 2015-09-08. Review status: criteria provided, single submitter. Criteria: LMM Criteria. Collection method: clinical testing. Allele origin: germline. Observed: 2 variant alleles.
Comment: The p.Val12Leu variant in TMIE has now been identified by our laboratory in the heterozygous state in 2 individuals with hearing loss; however, a variant affect ing the other copy of the TMIE gene has not been identified in either of them. D ata from large population studies are insufficient to assess the frequency of th is variant in the general population. Computational prediction tools and conserv ation analysis suggest that the p.Val12Leu variant may not impact the protein, t hough this information is not predictive enough to rule out pathogenicity. In su mmary, the clinical significance of the p.Val12Leu variant is uncertain.

Breakthrough Genomics
Classification: Uncertain significance. Review status: criteria provided, single submitter. Criteria: ACMG Guidelines, 2015. Collection method: not provided. Allele origin: germline. Inheritance: Autosomal recessive inheritance. Affected: yes.

NM_147196.3(TMIE):c.34G>T (p.Val12Leu)

Gene: TMIE (transmembrane inner ear; plus strand). Cytogenetic location: 3p21.31.
Variant type: single nucleotide variant.
Coding change: c.34G>T on transcript NM_147196.3 (MANE Select); coding-DNA position 34, G replaced by T.
Protein change: p.Val12Leu; replaces valine 12 with leucine.
Molecular consequence: missense variant. On other transcripts: intron variant (2).
Genome position (GRCh38, 1-based): chr3:46,701,521, G>T. VCF-style: chr3-46701521-G-T. GRCh37 (hg19) VCF-style: chr3-46743011-G-T.
Other names: c.-66-4269G>T (NM_001370524.1, NM_001370525.1); short protein forms V12L.
Identifiers: ClinVar variation 47959 (VCV000047959.26), dbSNP rs397517867, ClinGen allele CA142256.